The following is an entry in ClinVar:

NM_001042750.2(STAG2):c.3517C>G (p.Gln1173Glu)

Gene: STAG2 (STAG2 cohesin complex component; plus strand). Cytogenetic location: Xq25.
Variant type: single nucleotide variant.
Coding change: c.3517C>G on transcript NM_001042750.2 (MANE Select); coding-DNA position 3517, C replaced by G.
Protein change: p.Gln1173Glu; replaces glutamine 1173 with glutamic acid.
Molecular consequence: missense variant. On other transcripts: intron variant (8).
Genome position (GRCh38, 1-based): chrX:124,090,903, C>G. VCF-style: chrX-124090903-C-G. GRCh37 (hg19) VCF-style: chrX-123224753-C-G.
Other names: c.3517C>G (NM_001042749.1); c.3517C>G, p.Gln1173Glu (NM_001042749.2, NM_001375366.1, NM_001375367.1 and 5 more transcripts); c.3467+139C>G (NM_001375373.1, NM_001375374.1, NM_001282418.2 and 5 more transcripts); short protein forms Q1173E.
Identifiers: ClinVar variation 1490215 (VCV001490215.9), dbSNP rs367702969, ClinGen allele CA10509172.

ClinVar aggregate classification (germline): Uncertain significance. Review status: criteria provided, multiple submitters, no conflicts (2 of 4 stars). 2 submissions from 2 submitters: Uncertain significance (2). Last evaluated 2025-08-31.

Conditions:
Inborn genetic diseases. Identifiers: MedGen C0950123, MeSH D030342.

Allele frequency attached by ClinVar (database versions not stated): gnomAD exomes below 0.00001 and 0.00002; ExAC 0.00001; TOPMed 0.00001; ESP Exome Variant Server 0.00010.
gnomAD v4.1: 3 of 1,211,415 alleles (0.00025%); highest among the groups gnomAD compares: Admixed American, 0.0065%; no homozygotes.

Submissions (2):

Labcorp Genetics (formerly Invitae), Labcorp
Classification: Uncertain significance. Last evaluated: 2025-08-31. Review status: criteria provided, single submitter. Criteria: Invitae Variant Classification Sherloc (09022015). Collection method: clinical testing. Allele origin: germline.
Comment: This sequence change replaces glutamine, which is neutral and polar, with glutamic acid, which is acidic and polar, at codon 1173 of the STAG2 protein (p.Gln1173Glu). This variant is present in population databases (rs367702969, gnomAD 0.01%). This variant has not been reported in the literature in individuals affected with STAG2-related conditions. ClinVar contains an entry for this variant (Variation ID: 1490215). An algorithm developed to predict the effect of missense changes on protein structure and function (PolyPhen-2) suggests that this variant is likely to be tolerated. In summary, the available evidence is currently insufficient to determine the role of this variant in disease. Therefore, it has been classified as a Variant of Uncertain Significance.

Ambry Genetics
Classification: Uncertain significance for Inborn genetic diseases. Last evaluated: 2023-12-18. Review status: criteria provided, single submitter. Criteria: Ambry Variant Classification Scheme 2023. Collection method: clinical testing. Allele origin: germline.